The following is an entry in ClinVar:

ClinVar aggregate classification (germline): Pathogenic (1 of 4 stars; one submission).

Conditions:
Hereditary cancer-predisposing syndrome. Also called: Neoplastic Syndromes, Hereditary; Hereditary Cancer Syndrome; Tumor predisposition; Hereditary neoplastic syndrome. Identifiers: Orphanet 140162, MedGen C0027672, MeSH D009386, MONDO:0015356.

Submission:

Ambry Genetics
Classification: Pathogenic for Hereditary cancer-predisposing syndrome. Last evaluated: 2025-07-17. Review status: criteria provided, single submitter. Criteria: Ambry Variant Classification Scheme 2023. Collection method: clinical testing. Allele origin: germline.
Comment: The c.1074delA pathogenic mutation, located in coding exon 7 of the CTNNA1 gene, results from a deletion of one nucleotide at nucleotide position 1074, causing a translational frameshift with a predicted alternate stop codon (p.E359Kfs*10). This variant is considered to be rare based on population cohorts in the Genome Aggregation Database (gnomAD). This alteration is expected to result in loss of function by premature protein truncation or nonsense-mediated mRNA decay. As such, this alteration is interpreted as a disease-causing mutation.

NM_001903.5(CTNNA1):c.1074del (p.Glu359fs)

Gene: CTNNA1 (catenin alpha 1; plus strand). Cytogenetic location: 5q31.2.
Variant type: Deletion.
Coding change: c.1074del on transcript NM_001903.5 (MANE Select); coding-DNA position 1074, one base deleted (A; older notation c.1074delA).
Protein change: p.Glu359fs; shifts the reading frame from glutamic acid 359.
Molecular consequence: frameshift variant. On other transcripts: 5 prime UTR variant (26), intron variant (2).
Genome position (GRCh38, 1-based): chr5:138,886,223, A deleted; the last of 3 consecutive A bases (chr5:138,886,221-138,886,223); deleting any one gives the same sequence. VCF-style (leftmost placement, unchanged base first): chr5-138886220-TA-T. GRCh37 (hg19) VCF-style: chr5-138221909-TA-T.
Other names: c.1074del, p.Glu359fs (NM_001290307.3, NM_001323982.2, NM_001323983.1 and 3 more transcripts); c.765del, p.Glu256fs (NM_001290309.3); c.705del, p.Glu236fs (NM_001290310.3); c.-37del (NM_001290312.1, NM_001323987.1, NM_001323988.1 and 18 more transcripts); c.-434del (NM_001324006.1, NM_001324007.1, NM_001324008.1 and 1 more transcripts); c.-309del (NM_001324013.1); c.-58+10626del (NM_001324012.1); c.-61+10626del (NM_001324010.1); short protein forms E359fs, E236fs, E256fs.
Identifiers: ClinVar variation 2448324 (VCV002448324.3), dbSNP rs2532980193, ClinGen allele CA2580072850.